The following is an entry in ClinVar:

NC_000002.11:g.(?_233164740)_(233201340_?)dup

Gene: DIS3L2 (DIS3 like 3'-5' exoribonuclease 2; plus strand). Cytogenetic location: 2q37.1.
Variant type: Duplication.
Identifiers: ClinVar variation 2427369 (VCV002427369.4).

ClinVar aggregate classification (germline): Uncertain significance (1 of 4 stars; one submission).

Conditions:
Perlman syndrome (PRLMNS). Identifiers: Orphanet 2849, MedGen C0796113, MONDO:0009965, OMIM 267000.

Submission:

Labcorp Genetics (formerly Invitae), Labcorp
Classification: Uncertain significance for Perlman syndrome. Last evaluated: 2022-05-09. Review status: criteria provided, single submitter. Criteria: Invitae Variant Classification Sherloc (09022015). Collection method: clinical testing. Allele origin: germline.
Comment: This variant results in a copy number gain of the genomic region encompassing exon(s) 14-21 of the DIS3L2 gene. This region includes the termination codon of the gene. This copy number gain extends beyond the assayed region for this gene and therefore may encompass additional genes. As the precise location of this event is unknown, it may be in tandem or it may be located elsewhere in the genome. This variant has not been reported in the literature in individuals affected with DIS3L2-related conditions. Experimental studies and prediction algorithms are not available or were not evaluated, and the functional significance of this variant is currently unknown. In summary, the available evidence is currently insufficient to determine the role of this variant in disease. Therefore, it has been classified as a Variant of Uncertain Significance.